The following is an entry in ClinVar:

ClinVar aggregate classification (germline): Benign (0 of 4 stars; one submission).

Conditions:
VPS33A-related disorder. Also called: VPS33A-related condition.

Submission:

PreventionGenetics, part of Exact Sciences
Classification: Benign for VPS33A-related condition. Last evaluated: 2019-05-31. Review status: no assertion criteria provided. Collection method: clinical testing. Allele origin: germline.
Comment: This variant is classified as benign based on ACMG/AMP sequence variant interpretation guidelines (Richards et al. 2015 PMID: 25741868, with internal and published modifications).

NM_022916.6(VPS33A):c.484-2453_484-2452dup

Gene: VPS33A (VPS33A core subunit of CORVET and HOPS complexes; minus strand). Cytogenetic location: 12q24.31.
Variant type: Duplication.
Coding change: c.484-2453_484-2452dup on transcript NM_022916.6 (MANE Select); 2453 bases into the intron before coding-DNA position 484 through 2452 bases into the intron before coding-DNA position 484, 2 bases duplicated (TT; older notation c.484-2453_484-2452dupTT).
Molecular consequence: intron variant.
Genome position (GRCh38, 1-based): chr12:122,253,551-122,253,552, AA duplicated on the plus strand (TT on the coding strand, the reverse complement: VPS33A is on the minus strand); duplicating any 2 consecutive bases within chr12:122,253,551-122,253,568 gives the same sequence; the c. name uses the placement nearest the transcript's 3' end. VCF-style (leftmost placement, unchanged base first): chr12-122253550-C-CAA. GRCh37 (hg19) VCF-style: chr12-122738097-C-CAA.
Other names: c.484-2453_484-2452dup (NM_001351020.2); c.451-2453_451-2452dup (NM_001351018.2); c.436-2453_436-2452dup (NM_001351019.2); c.484-9_484-8dup (NM_001351021.2).
Identifiers: ClinVar variation 3041286 (VCV003041286.2), dbSNP rs35143468, ClinGen allele CA607949346.